The following is an entry in ClinVar:

NM_003070.5(SMARCA2):c.1664A>G (p.Glu555Gly)

Gene: SMARCA2 (SWI/SNF related BAF chromatin remodeling complex subunit ATPase 2; plus strand). Cytogenetic location: 9p24.3.
Variant type: single nucleotide variant.
Coding change: c.1664A>G on transcript NM_003070.5 (MANE Select); coding-DNA position 1664, A replaced by G.
Protein change: p.Glu555Gly; replaces glutamic acid 555 with glycine.
Molecular consequence: missense variant.
Genome position (GRCh38, 1-based): chr9:2,060,958, A>G. VCF-style: chr9-2060958-A-G. GRCh37 (hg19) VCF-style: chr9-2060958-A-G.
Other names: c.1664A>G, p.Glu555Gly (NM_001289396.2, NM_001289397.2, NM_139045.4); short protein forms E555G.
Identifiers: ClinVar variation 3900428 (VCV003900428.1).

ClinVar aggregate classification (germline): Uncertain significance (1 of 4 stars; one submission).

Submission:

GeneDx
Classification: Uncertain significance. Last evaluated: 2024-11-20. Review status: criteria provided, single submitter. Criteria: GeneDx Variant Classification Process June 2021. Collection method: clinical testing. Allele origin: germline. Affected: yes.
Comment: Not observed at significant frequency in large population cohorts (gnomAD); In silico analysis supports that this missense variant has a deleterious effect on protein structure/function; Has not been previously published as pathogenic or benign to our knowledge